The following is an entry in ClinVar:

ClinVar aggregate classification (germline): Likely benign (1 of 4 stars; one submission).

gnomAD v4.1: 10,049 of 1,547,000 alleles (0.65%); highest among the groups gnomAD compares: Non-Finnish European, 0.81%; 52 homozygotes.

Submission:

CeGaT Center for Human Genetics Tuebingen
Classification: Likely benign. Last evaluated: 2026-01-01. Review status: criteria provided, single submitter. Criteria: CeGaT Center For Human Genetics Tuebingen Variant Classification Criteria Version 2. Collection method: clinical testing. Allele origin: germline. Affected: yes. Observed: 1 variant allele.
Comment: GHRL: BP4, BS2; GHRLOS: BS2

NM_016362.5(GHRL):c.-786G>A

Genes: GHRLOS (ghrelin opposite strand/antisense RNA; plus strand), GHRL (ghrelin and obestatin prepropeptide; minus strand), LOC121009639 (Sharpr-MPRA regulatory region 4342; plus strand). Cytogenetic location: 3p25.3.
Variant type: single nucleotide variant.
Coding change: c.-786G>A on transcript NM_016362.5 (MANE Select); 786 bases upstream of the start codon, G replaced by A.
Molecular consequence: 5 prime UTR variant. On other transcripts: non-coding transcript variant (7), missense variant (3).
Genome position (GRCh38, 1-based): chr3:10,292,862, C>T on the plus strand (G>A on the coding strand, the complement: GHRL is on the minus strand). VCF-style: chr3-10292862-C-T. GRCh37 (hg19) VCF-style: chr3-10334546-C-T.
Other names: c.-786G>A (NM_001134941.3); c.52G>A, p.Gly18Arg (NM_001134944.2, NM_001134945.2, NM_001134946.2); c.-537G>A (NM_001302821.2); c.-325G>A (NM_001302822.2, NM_001302823.2); c.-247G>A (NM_001302824.2); c.-50G>A (NM_001302825.2); short protein forms G18R.
Identifiers: ClinVar variation 4820737 (VCV004820737.4).